The following is an entry in ClinVar:

ClinVar aggregate classification (germline): Uncertain significance. Review status: criteria provided, multiple submitters, no conflicts (2 of 4 stars). 2 submissions from 2 submitters: Uncertain significance (2). Last evaluated 2022-05-01.

Allele frequency attached by ClinVar (database versions not stated): gnomAD exomes 0.00001; ExAC 0.00002.
gnomAD v4.1: 11 of 1,613,812 alleles (0.00068%); highest among the groups gnomAD compares: East Asian, 0.0022%; no homozygotes.

Submissions (2):

CeGaT Center for Human Genetics Tuebingen
Classification: Uncertain significance. Last evaluated: 2022-05-01. Review status: criteria provided, single submitter. Criteria: CeGaT Center For Human Genetics Tuebingen Variant Classification Criteria Version 2. Collection method: clinical testing. Allele origin: germline. Affected: yes. Observed: 1 variant allele.

Labcorp Genetics (formerly Invitae), Labcorp
Classification: Uncertain significance. Last evaluated: 2022-03-29. Review status: criteria provided, single submitter. Criteria: Invitae Variant Classification Sherloc (09022015). Collection method: clinical testing. Allele origin: germline.
Comment: Advanced modeling of protein sequence and biophysical properties (such as structural, functional, and spatial information, amino acid conservation, physicochemical variation, residue mobility, and thermodynamic stability) performed at Invitae indicates that this missense variant is expected to disrupt LRP5 protein function. This sequence change replaces aspartic acid, which is acidic and polar, with asparagine, which is neutral and polar, at codon 1360 of the LRP5 protein (p.Asp1360Asn). This variant is present in population databases (rs751601938, gnomAD 0.003%). This variant has not been reported in the literature in individuals affected with LRP5-related conditions. In summary, the available evidence is currently insufficient to determine the role of this variant in disease. Therefore, it has been classified as a Variant of Uncertain Significance.

NM_002335.4(LRP5):c.4078G>A (p.Asp1360Asn)

Gene: LRP5 (LDL receptor related protein 5; plus strand). Cytogenetic location: 11q13.2.
Variant type: single nucleotide variant.
Coding change: c.4078G>A on transcript NM_002335.4 (MANE Select); coding-DNA position 4078, G replaced by A.
Protein change: p.Asp1360Asn; replaces aspartic acid 1360 with asparagine.
Molecular consequence: missense variant.
Genome position (GRCh38, 1-based): chr11:68,436,966, G>A. VCF-style: chr11-68436966-G-A. GRCh37 (hg19) VCF-style: chr11-68204434-G-A.
Other names: c.2335G>A, p.Asp779Asn (NM_001291902.2); short protein forms D1360N, D779N.
Identifiers: ClinVar variation 2098670 (VCV002098670.28), dbSNP rs751601938, ClinGen allele CA6150224.